The following is an entry in ClinVar:

NM_022124.6(CDH23):c.683A>T (p.Asp228Val)

Gene: CDH23 (cadherin related 23; plus strand). Cytogenetic location: 10q22.1.
Variant type: single nucleotide variant.
Coding change: c.683A>T on transcript NM_022124.6 (MANE Select); coding-DNA position 683, A replaced by T.
Protein change: p.Asp228Val; replaces aspartic acid 228 with valine.
Molecular consequence: missense variant.
Genome position (GRCh38, 1-based): chr10:71,570,848, A>T. VCF-style: chr10-71570848-A-T. GRCh37 (hg19) VCF-style: chr10-73330605-A-T.
Other names: NM_022124.5:c.683A>T; c.683A>T, p.Asp228Val (NM_001171930.2, NM_001171931.2, NM_001171932.2 and 1 more transcripts); short protein forms D228V.
Identifiers: ClinVar variation 402247 (VCV000402247.3), dbSNP rs1060499788, ClinGen allele CA16609568.

ClinVar aggregate classification (germline): Likely pathogenic. Review status: criteria provided, single submitter (1 of 4 stars). 2 submissions from 2 submitters: Likely pathogenic (1). 1 of the submissions does not count toward it. Last evaluated 2020-08-01.

Conditions:
Autosomal recessive nonsyndromic hearing loss 12. Also called: DEAFNESS, AUTOSOMAL RECESSIVE 12. Identifiers: Orphanet 90636, MedGen C1832394, MONDO:0011067, OMIM 601386.

Submissions (2):

King Laboratory, University of Washington
Classification: Likely pathogenic for Autosomal recessive nonsyndromic hearing loss 12. Last evaluated: 2020-08-01. Review status: criteria provided, single submitter. Criteria: Abu Rayyan A et al. (Proc Natl Acad Sci U S A 2020). Collection method: research. Allele origin: germline. Affected: yes.
Comment: CDH23 c.683A>T, p.D228V alters a residue of CDH23 completely conserved in all sequenced vertebrates. The variant is homozygous in 2 Palestinian children with profound pre-lingual hearing loss (Abu Rayyan 2020). The variant is absent from 1300 Palestinian controls and from gnomAD v2.1.1.

Hereditary Research Laboratory, Bethlehem University
Classification: Pathogenic for Autosomal recessive nonsyndromic hearing loss 12. Last evaluated: 2016-06-04. Review status: no assertion criteria provided. Collection method: research. Allele origin: germline. Affected: yes. Not counted in ClinVar's aggregate classification.